The following is an entry in ClinVar:

ClinVar aggregate classification (germline): Benign/Likely benign. Review status: criteria provided, multiple submitters, no conflicts (2 of 4 stars). 3 submissions from 3 submitters: Benign (1); Likely benign (2). Last evaluated 2026-01-17.

Conditions:
Hereditary cancer-predisposing syndrome. Also called: Hereditary neoplastic syndrome; Neoplastic Syndromes, Hereditary; Tumor predisposition; Hereditary Cancer Syndrome. Identifiers: Orphanet 140162, MedGen C0027672, MeSH D009386, MONDO:0015356.
Hereditary diffuse gastric adenocarcinoma (HDGC). Also called: DIFFUSE GASTRIC AND LOBULAR BREAST CANCER SYNDROME. Identifiers: Orphanet 26106, MedGen C1708349, MONDO:0007648, OMIM 137215.

Allele frequency attached by ClinVar (database versions not stated): gnomAD exomes below 0.00001.
gnomAD v4.1: 1 of 1,614,190 alleles (0.000062%); highest among the groups gnomAD compares: Non-Finnish European, 0.000085%; no homozygotes.

Submissions (3):

Labcorp Genetics (formerly Invitae), Labcorp
Classification: Likely benign for Hereditary diffuse gastric adenocarcinoma. Last evaluated: 2026-01-17. Review status: criteria provided, single submitter. Criteria: Invitae Variant Classification Sherloc (09022015). Collection method: clinical testing. Allele origin: germline.

Myriad Genetics, Inc.
Classification: Benign for Hereditary diffuse gastric adenocarcinoma. Last evaluated: 2024-09-18. Review status: criteria provided, single submitter. Criteria: Myriad Autosomal Dominant, Autosomal Recessive and X-Linked Classification Criteria (2023). Collection method: clinical testing. Allele origin: unknown.
Comment: This variant is considered benign. This variant is a silent/synonymous amino acid change and it is not expected to impact splicing.

Ambry Genetics
Classification: Likely benign for Hereditary cancer-predisposing syndrome. Last evaluated: 2015-09-11. Review status: criteria provided, single submitter. Criteria: Ambry Variant Classification Scheme 2023. Collection method: clinical testing. Allele origin: germline.

NM_004360.5(CDH1):c.1434G>A (p.Leu478=)

Gene: CDH1 (cadherin 1; plus strand). Cytogenetic location: 16q22.1.
Variant type: single nucleotide variant.
Coding change: c.1434G>A on transcript NM_004360.5 (MANE Select); coding-DNA position 1434, G replaced by A.
Protein change: p.Leu478=; no amino-acid change (leucine 478 retained).
Molecular consequence: synonymous variant. On other transcripts: 5 prime UTR variant (2).
Genome position (GRCh38, 1-based): chr16:68,815,628, G>A. VCF-style: chr16-68815628-G-A. GRCh37 (hg19) VCF-style: chr16-68849531-G-A.
Other names: c.1251G>A, p.Leu417= (NM_001317184.2); c.-115G>A (NM_001317185.2); c.-386G>A (NM_001317186.2).
Identifiers: ClinVar variation 1008164 (VCV001008164.12), dbSNP rs1960963649, ClinGen allele CA496154026.
Genomic context (GRCh38, chr16:68,815,628, plus strand): 5'-TGTGGTACCTTTTGAGGTCTCTCTCACCACCTCCACAGCCACCGTCACCGTGGATGTGCT[G>A]GATGTGAATGAAGCCCCCATCTTTGTGCCTCCTGAAAAGAGAGTGGAAGTGTCCGAGGAC-3'
Protein context (NP_004351.1, residues 468-488): TSTATVTVDV[Leu478=]DVNEAPIFVP